The following is an entry in ClinVar:

ClinVar aggregate classification (germline): Conflicting classifications of pathogenicity. Review status: criteria provided, conflicting classifications (1 of 4 stars). 3 submissions from 3 submitters: Uncertain significance (1); Likely benign (1). 1 of the submissions does not count toward it. Last evaluated 2026-10-01.

Conditions:
ADAMTSL1-related disorder. Also called: ADAMTSL1-related condition.

Allele frequency attached by ClinVar (database versions not stated): gnomAD 0.00015; 1000 Genomes Project 30x 0.00094; 1000 Genomes Project 0.00100.
gnomAD v4.1: 216 of 1,613,954 alleles (0.013%); highest among the groups gnomAD compares: East Asian, 0.31%; 1 homozygote.

Submissions (3):

CeGaT Center for Human Genetics Tuebingen
Classification: Likely benign. Last evaluated: 2026-10-01. Review status: criteria provided, single submitter. Criteria: CeGaT Center For Human Genetics Tuebingen Variant Classification Criteria Version 2. Collection method: clinical testing. Allele origin: germline. Affected: yes. Observed: 1 variant allele.
Comment: ADAMTSL1: BP4, BS1

Ambry Genetics
Classification: Uncertain significance. Last evaluated: 2025-11-26. Review status: criteria provided, single submitter. Criteria: Ambry Variant Classification Scheme 2023. Collection method: clinical testing. Allele origin: germline.

PreventionGenetics, part of Exact Sciences
Classification: Likely benign for ADAMTSL1-related condition. Last evaluated: 2022-02-01. Review status: no assertion criteria provided. Collection method: clinical testing. Allele origin: germline. Not counted in ClinVar's aggregate classification.
Comment: This variant is classified as likely benign based on ACMG/AMP sequence variant interpretation guidelines (Richards et al. 2015 PMID: 25741868, with internal and published modifications).

NM_001040272.6(ADAMTSL1):c.4381G>A (p.Gly1461Ser)

Gene: ADAMTSL1 (ADAMTS like 1; plus strand). Cytogenetic location: 9p22.1.
Variant type: single nucleotide variant.
Coding change: c.4381G>A on transcript NM_001040272.6 (MANE Select); coding-DNA position 4381, G replaced by A.
Protein change: p.Gly1461Ser; replaces glycine 1461 with serine.
Molecular consequence: missense variant.
Genome position (GRCh38, 1-based): chr9:18,887,962, G>A. VCF-style: chr9-18887962-G-A. GRCh37 (hg19) VCF-style: chr9-18887960-G-A.
Other names: short protein forms G1461S.
Identifiers: ClinVar variation 3051242 (VCV003051242.4), dbSNP rs113130831, ClinGen allele CA5000042.